The following is an entry in ClinVar:

NM_000702.4(ATP1A2):c.1249A>G (p.Thr417Ala)

Gene: ATP1A2 (ATPase Na+/K+ transporting subunit alpha 2; plus strand). Cytogenetic location: 1q23.2.
Variant type: single nucleotide variant.
Coding change: c.1249A>G on transcript NM_000702.4 (MANE Select); coding-DNA position 1249, A replaced by G.
Protein change: p.Thr417Ala; replaces threonine 417 with alanine.
Molecular consequence: missense variant.
Genome position (GRCh38, 1-based): chr1:160,129,012, A>G. VCF-style: chr1-160129012-A-G. GRCh37 (hg19) VCF-style: chr1-160098802-A-G.
Other names: short protein forms T417A.
Identifiers: ClinVar variation 837603 (VCV000837603.9), dbSNP rs1486565697, ClinGen allele CA343240243.
Genomic context (GRCh38, chr1:160,129,012, plus strand): 5'-CTCCTGGTTCCCCCTCATTTCCTCCCAGGGGCCACTTTTGACAAACGATCCCCTACGTGG[A>G]CGGCCCTGTCTCGAATTGCTGGTCTCTGCAACCGCGCCGTCTTCAAGGCAGGACAGGAGA-3'
Protein context (NP_000693.1, residues 407-427): ATFDKRSPTW[Thr417Ala]ALSRIAGLCN

ClinVar aggregate classification (germline): Uncertain significance. Review status: criteria provided, multiple submitters, no conflicts (2 of 4 stars). 3 submissions from 3 submitters: Uncertain significance (3). Last evaluated 2024-09-12.

Conditions:
Familial hemiplegic migraine. Identifiers: MedGen C0338484, MONDO:0000700.

Allele frequency attached by ClinVar (database versions not stated): gnomAD exomes below 0.00001.
gnomAD v4.1: 7 of 1,609,888 alleles (0.00043%); highest among the groups gnomAD compares: Middle Eastern, 0.05%; no homozygotes.

Submissions (3):

Revvity Omics, Revvity
Classification: Uncertain significance. Last evaluated: 2024-09-12. Review status: criteria provided, single submitter. Criteria: ACMG Guidelines, 2015. Collection method: clinical testing. Allele origin: germline.

GeneDx
Classification: Uncertain significance. Last evaluated: 2024-08-08. Review status: criteria provided, single submitter. Criteria: GeneDx Variant Classification Process June 2021. Collection method: clinical testing. Allele origin: germline. Affected: yes.
Comment: Not observed at significant frequency in large population cohorts (gnomAD); In silico analysis indicates that this missense variant does not alter protein structure/function; Has not been previously published as pathogenic or benign to our knowledge; This variant is associated with the following publications: (PMID: 18184292)

Labcorp Genetics (formerly Invitae), Labcorp
Classification: Uncertain significance for Familial hemiplegic migraine. Last evaluated: 2024-06-09. Review status: criteria provided, single submitter. Criteria: Invitae Variant Classification Sherloc (09022015). Collection method: clinical testing. Allele origin: germline.
Comment: This sequence change replaces threonine, which is neutral and polar, with alanine, which is neutral and non-polar, at codon 417 of the ATP1A2 protein (p.Thr417Ala). The frequency data for this variant in the population databases is considered unreliable, as metrics indicate poor data quality at this position in the gnomAD database. This variant has not been reported in the literature in individuals affected with ATP1A2-related conditions. ClinVar contains an entry for this variant (Variation ID: 837603). Advanced modeling of protein sequence and biophysical properties (such as structural, functional, and spatial information, amino acid conservation, physicochemical variation, residue mobility, and thermodynamic stability) performed at Invitae indicates that this missense variant is not expected to disrupt ATP1A2 protein function with a negative predictive value of 80%. In summary, the available evidence is currently insufficient to determine the role of this variant in disease. Therefore, it has been classified as a Variant of Uncertain Significance.